The following is an entry in ClinVar:

ClinVar aggregate classification (germline): Uncertain significance. Review status: criteria provided, multiple submitters, no conflicts (2 of 4 stars). 2 submissions from 2 submitters: Uncertain significance (2). Last evaluated 2026-01-14.

Conditions:
Syndromic intellectual disability. Also called: Intellectual disability syndrome. Identifiers: Orphanet 183763, MedGen C5680525, MONDO:0000508.
Inborn genetic diseases. Identifiers: MedGen C0950123, MeSH D030342.

gnomAD v4.1: 13 of 1,613,470 alleles (0.00081%); highest among the groups gnomAD compares: Admixed American, 0.005%; no homozygotes.

Submissions (2):

Dasa
Classification: Uncertain significance for Syndromic intellectual disability. Last evaluated: 2026-01-14. Review status: criteria provided, single submitter. Criteria: DASA Assertion Criteria. Collection method: clinical testing. Allele origin: germline.
Comment: NM_014991.6(WDFY3):c.2461G>T (p.Val821Phe) is a missense variant that results in the substitution of valine with phenylalanine. This variant is rare in population databases. Computational prediction algorithms are consistent with a benign effect. The currently available literature and clinical evidence are not sufficient to establish a definitive association between this variant and the reported condition. Therefore, this variant is classified as a variant of uncertain significance.

Ambry Genetics
Classification: Uncertain significance for Inborn genetic diseases. Last evaluated: 2024-08-12. Review status: criteria provided, single submitter. Criteria: Ambry Variant Classification Scheme 2023. Collection method: clinical testing. Allele origin: germline.

NM_014991.6(WDFY3):c.2461G>T (p.Val821Phe)

Genes: WDFY3 (WD repeat and FYVE domain containing 3; minus strand), WDFY3-AS1 (WDFY3 antisense RNA 1; plus strand). Cytogenetic location: 4q21.23.
Variant type: single nucleotide variant.
Coding change: c.2461G>T on transcript NM_014991.6 (MANE Select); coding-DNA position 2461, G replaced by T.
Protein change: p.Val821Phe; replaces valine 821 with phenylalanine.
Molecular consequence: missense variant.
Genome position (GRCh38, 1-based): chr4:84,803,436, C>A on the plus strand (G>T on the coding strand, the complement: WDFY3 is on the minus strand). VCF-style: chr4-84803436-C-A. GRCh37 (hg19) VCF-style: chr4-85724589-C-A.
Other names: short protein forms V821F.
Identifiers: ClinVar variation 3469096 (VCV003469096.3).
Genomic context (GRCh38, chr4:84,803,436, plus strand): 5'-TCTGCAGAGATGAAGTTGTCACATGTAGTTTCAGGTCGGCAACATTTTTAGGAGGGTAAA[C>A]AGGGGGAGTTGAAACAGAATGATATGCATGCCTATAAAAAAAGAAAGAGTAAATTTGGTA-3'
Protein context (NP_055806.2, residues 811-831): HAYHSVSTPP[Val821Phe]YPPKNVADLK